The following is an entry in ClinVar:

ClinVar aggregate classification (germline): Likely benign. Review status: criteria provided, multiple submitters, no conflicts (2 of 4 stars). 2 submissions from 2 submitters: Likely benign (2). Last evaluated 2025-11-17.

Conditions:
GLUT1 deficiency syndrome 1, autosomal recessive. Identifiers: MedGen C3149117.

Allele frequency attached by ClinVar (database versions not stated): gnomAD exomes 0.00001 and 0.00002; gnomAD 0.00004; TOPMed 0.00005; ESP Exome Variant Server 0.00008.
gnomAD v4.1: 28 of 1,613,628 alleles (0.0017%); highest among the groups gnomAD compares: Non-Finnish European, 0.0022%; no homozygotes.

Submissions (2):

Labcorp Genetics (formerly Invitae), Labcorp
Classification: Likely benign for GLUT1 deficiency syndrome 1, autosomal recessive. Last evaluated: 2025-11-17. Review status: criteria provided, single submitter. Criteria: Invitae Variant Classification Sherloc (09022015). Collection method: clinical testing. Allele origin: germline.

Mayo Clinic Laboratories, Mayo Clinic
Classification: Likely benign. Last evaluated: 2025-10-07. Review status: criteria provided, single submitter. Criteria: ACMG Guidelines, 2015. Collection method: clinical testing. Allele origin: germline. Observed: 1 variant allele.
Comment: BP4, BP7

NM_006516.4(SLC2A1):c.120C>T (p.Ile40=)

Gene: SLC2A1 (solute carrier family 2 member 1; minus strand). Cytogenetic location: 1p34.2.
Variant type: single nucleotide variant.
Coding change: c.120C>T on transcript NM_006516.4 (MANE Select); coding-DNA position 120, C replaced by T.
Protein change: p.Ile40=; no amino-acid change (isoleucine 40 retained).
Molecular consequence: synonymous variant.
Genome position (GRCh38, 1-based): chr1:42,931,201, G>A on the plus strand (C>T on the coding strand, the complement: SLC2A1 is on the minus strand). VCF-style: chr1-42931201-G-A. GRCh37 (hg19) VCF-style: chr1-43396872-G-A.
Other names: p.Ile40=; c.120C>T (NM_006516.3).
Identifiers: ClinVar variation 696369 (VCV000696369.10), dbSNP rs370523758, ClinGen allele CA21252546.
Genomic context (GRCh38, chr1:42,931,201, plus strand): 5'-CGTGGTGGGCAGGATGCTCTCCCCATAGCGGTGGACCCATGTCTGGTTGTAGAACTCCTC[G>A]ATCACCTGCAGGGGGAGATGCAGCCTGGGTGAGCAAGCCAGGGGCCAGGACCCAGTCTTC-3'
Protein context (NP_006507.2, residues 30-50): TGVINAPQKV[Ile40=]EEFYNQTWVH